The following is an entry in ClinVar:

NM_012203.2(GRHPR):c.86G>A (p.Cys29Tyr)

Gene: GRHPR (glyoxylate and hydroxypyruvate reductase; plus strand). Cytogenetic location: 9p13.2.
Variant type: single nucleotide variant.
Coding change: c.86G>A on transcript NM_012203.2 (MANE Select); coding-DNA position 86, G replaced by A.
Protein change: p.Cys29Tyr; replaces cysteine 29 with tyrosine.
Molecular consequence: missense variant.
Genome position (GRCh38, 1-based): chr9:37,424,847, G>A. VCF-style: chr9-37424847-G-A. GRCh37 (hg19) VCF-style: chr9-37424844-G-A.
Other names: short protein forms C29Y.
Identifiers: ClinVar variation 913617 (VCV000913617.6), dbSNP rs758049256, ClinGen allele CA192887047.
Genomic context (GRCh38, chr9:37,424,847, plus strand): 5'-AGGGGCGGGGACAGGTGTGCGGCTCCTGCTTCTCCTGAGGGCCTCCCTTTCCCCGCAGCT[G>A]TGAGGTGGAGCAGTGGGACTCGGATGAGCCCATCCCTGCCAAGGAGCTAGAGCGAGGTGT-3'
Protein context (NP_036335.1, residues 19-39): GRVALARAAD[Cys29Tyr]EVEQWDSDEP

ClinVar aggregate classification (germline): Uncertain significance. Review status: criteria provided, multiple submitters, no conflicts (2 of 4 stars). 3 submissions from 3 submitters: Uncertain significance (3). Last evaluated 2024-01-02.

Conditions:
Primary hyperoxaluria, type II (HP2). Also called: Primary hyperoxaluria type 2; D-GLYCERATE DEHYDROGENASE DEFICIENCY; GLYCERIC ACIDURIA; GLYOXYLATE REDUCTASE/HYDROXYPYRUVATE REDUCTASE DEFICIENCY; OXALOSIS II. Identifiers: Orphanet 416, Orphanet 93599, MedGen C0268165, MONDO:0009824, OMIM 260000. Disease mechanism: loss of function.
Nephrolithiasis/nephrocalcinosis. Identifiers: MedGen CN580796.

Allele frequency attached by ClinVar (database versions not stated): gnomAD 0.00001; TOPMed 0.00001.

Submissions (3):

Fulgent Genetics
Classification: Uncertain significance for Primary hyperoxaluria, type II. Last evaluated: 2024-01-02. Review status: criteria provided, single submitter. Criteria: ACMG Guidelines, 2015. Collection method: clinical testing. Allele origin: germline.

Ambry Genetics
Classification: Uncertain significance for Nephrolithiasis/nephrocalcinosis. Last evaluated: 2023-10-23. Review status: criteria provided, single submitter. Criteria: Ambry Variant Classification Scheme 2023. Collection method: clinical testing. Allele origin: germline.
Comment: The p.C29Y variant (also known as c.86G>A), located in coding exon 2 of the GRHPR gene, results from a G to A substitution at nucleotide position 86. The cysteine at codon 29 is replaced by tyrosine, an amino acid with highly dissimilar properties. This amino acid position is conserved. In addition, this alteration is predicted to be deleterious by in silico analysis. Since supporting evidence is limited at this time, the clinical significance of this alteration remains unclear.

Illumina Laboratory Services, Illumina
Classification: Uncertain significance for Primary hyperoxaluria, type II. Last evaluated: 2018-01-13. Review status: criteria provided, single submitter. Criteria: ICSL Variant Classification Criteria 13 December 2019. Collection method: clinical testing. Allele origin: germline.